The following is an entry in ClinVar:

ClinVar aggregate classification (germline): Uncertain significance (1 of 4 stars; one submission).

Allele frequency attached by ClinVar (database versions not stated): gnomAD exomes below 0.00001; ExAC 0.00001; gnomAD 0.00001; TOPMed 0.00001; ESP Exome Variant Server 0.00008.

Submission:

Ambry Genetics
Classification: Uncertain significance. Last evaluated: 2024-12-31. Review status: criteria provided, single submitter. Criteria: Ambry Variant Classification Scheme 2023. Collection method: clinical testing. Allele origin: germline.
Comment: The p.D143G variant (also known as c.428A>G), located in coding exon 4 of the RINT1 gene, results from an A to G substitution at nucleotide position 428. The aspartic acid at codon 143 is replaced by glycine, an amino acid with similar properties. This amino acid position is conserved. In addition, this alteration is predicted to be tolerated by in silico analysis. Since supporting evidence is limited at this time, the clinical significance of this alteration remains unclear.

NM_021930.6(RINT1):c.428A>G (p.Asp143Gly)

Gene: RINT1 (RAD50 interactor 1; plus strand). Cytogenetic location: 7q22.3.
Variant type: single nucleotide variant.
Coding change: c.428A>G on transcript NM_021930.6 (MANE Select); coding-DNA position 428, A replaced by G.
Protein change: p.Asp143Gly; replaces aspartic acid 143 with glycine.
Molecular consequence: missense variant. On other transcripts: 5 prime UTR variant (3), non-coding transcript variant (1).
Genome position (GRCh38, 1-based): chr7:105,542,562, A>G. VCF-style: chr7-105542562-A-G. GRCh37 (hg19) VCF-style: chr7-105183009-A-G.
Other names: c.194A>G, p.Asp65Gly (NM_001346599.2); c.-592A>G (NM_001346600.2); c.-495A>G (NM_001346601.2); c.-115A>G (NM_001346603.2); short protein forms D65G, D143G.
Identifiers: ClinVar variation 2496972 (VCV002496972.3), dbSNP rs368437664, ClinGen allele CA4426423.